The following is an entry in ClinVar:

ClinVar aggregate classification (germline): Benign/Likely benign. Review status: criteria provided, multiple submitters, no conflicts (2 of 4 stars). 4 submissions from 4 submitters: Benign (2); Likely benign (1). 1 of the submissions does not count toward it. Last evaluated 2026-01-13.

Conditions:
DYRK1B-related disorder. Also called: DYRK1B-related condition.

Allele frequency attached by ClinVar (database versions not stated): 1000 Genomes Project 30x 0.00078; 1000 Genomes Project 0.00080; ESP Exome Variant Server 0.00086; gnomAD 0.00098 and 0.00101; TOPMed 0.00100; gnomAD exomes 0.00124 and 0.00154; ExAC 0.00133.

Submissions (4):

Labcorp Genetics (formerly Invitae), Labcorp
Classification: Benign. Last evaluated: 2026-01-13. Review status: criteria provided, single submitter. Criteria: Invitae Variant Classification Sherloc (09022015). Collection method: clinical testing. Allele origin: germline.

CeGaT Center for Human Genetics Tuebingen
Classification: Benign. Last evaluated: 2025-08-01. Review status: criteria provided, single submitter. Criteria: CeGaT Center For Human Genetics Tuebingen Variant Classification Criteria Version 2. Collection method: clinical testing. Allele origin: germline. Affected: yes. Observed: 1 variant allele.
Comment: DYRK1B: BS1, BS2

Genetic Services Laboratory, University of Chicago
Classification: Likely benign. Last evaluated: 2020-07-27. Review status: criteria provided, single submitter. Criteria: ACMG Guidelines, 2015. Collection method: clinical testing. Allele origin: germline. Affected: no.

PreventionGenetics, part of Exact Sciences
Classification: Likely benign for DYRK1B-related condition. Last evaluated: 2021-09-20. Review status: no assertion criteria provided. Collection method: clinical testing. Allele origin: germline. Not counted in ClinVar's aggregate classification.
Comment: This variant is classified as likely benign based on ACMG/AMP sequence variant interpretation guidelines (Richards et al. 2015 PMID: 25741868, with internal and published modifications).

NM_004714.3(DYRK1B):c.1732C>T (p.Pro578Ser)

Gene: DYRK1B (dual specificity tyrosine phosphorylation regulated kinase 1B; minus strand). Cytogenetic location: 19q13.2.
Variant type: single nucleotide variant.
Coding change: c.1732C>T on transcript NM_004714.3 (MANE Select); coding-DNA position 1732, C replaced by T.
Protein change: p.Pro578Ser; replaces proline 578 with serine.
Molecular consequence: missense variant.
Genome position (GRCh38, 1-based): chr19:39,825,873, G>A on the plus strand (C>T on the coding strand, the complement: DYRK1B is on the minus strand). VCF-style: chr19-39825873-G-A. GRCh37 (hg19) VCF-style: chr19-40316513-G-A.
Other names: c.1612C>T, p.Pro538Ser (NM_006483.3); c.1648C>T, p.Pro550Ser (NM_006484.3); short protein forms P538S, P550S, P578S.
Identifiers: ClinVar variation 1338689 (VCV001338689.21), dbSNP rs144803038, ClinGen allele CA9433935.
Genomic context (GRCh38, chr19:39,825,873, plus strand): 5'-CAGTCATCCGAGTCCGGAGGGCTGAGGCAGCCGGGTGCTGGGGGGCAGGCGCTGGGTGAG[G>A]TGGGGAGCAGTCAGCAGGGCCGCCCACCAGGCTCACATCCATCAGCTCCGGGGGTGGTGG-3'
Protein context (NP_004705.1, residues 568-588): LVGGPADCSP[Pro578Ser]HPAPAPQHPA